The following is an entry in ClinVar:

ClinVar aggregate classification (germline): Conflicting classifications of pathogenicity. Review status: criteria provided, conflicting classifications (1 of 4 stars). 2 submissions from 2 submitters: Uncertain significance (1); Likely benign (1). Last evaluated 2024-03-19.

Conditions:
Hereditary cancer-predisposing syndrome. Also called: Hereditary Cancer Syndrome; Hereditary neoplastic syndrome; Neoplastic Syndromes, Hereditary; Tumor predisposition. Identifiers: Orphanet 140162, MedGen C0027672, MeSH D009386, MONDO:0015356.

Submissions (2):

Quest Diagnostics Nichols Institute San Juan Capistrano
Classification: Uncertain significance. Last evaluated: 2024-03-19. Review status: criteria provided, single submitter. Criteria: Quest Diagnostics criteria. Collection method: clinical testing. Allele origin: unknown.
Comment: The SDHAF2 c.57C>T (p.His19=) synonymous variant has not been reported in individuals with SDHAF2-related conditions in the published literature. It also has not been reported in large, multi-ethnic general populations (Genome Aggregation Database). Analysis of this variant using software algorithms for the prediction of the effect of nucleotide changes on splicing yielded predictions that this variant does not affect SDHAF2 mRNA splicing. Based on the available information, we are unable to determine the clinical significance of this variant.

Ambry Genetics
Classification: Likely benign for Hereditary cancer-predisposing syndrome. Last evaluated: 2019-12-05. Review status: criteria provided, single submitter. Criteria: Ambry Variant Classification Scheme 2023. Collection method: clinical testing. Allele origin: germline.

NM_017841.4(SDHAF2):c.57C>T (p.His19=)

Gene: SDHAF2 (succinate dehydrogenase complex assembly factor 2; plus strand). Cytogenetic location: 11q12.2.
Variant type: single nucleotide variant.
Coding change: c.57C>T on transcript NM_017841.4 (MANE Select); coding-DNA position 57, C replaced by T.
Protein change: p.His19=; no amino-acid change (histidine 19 retained).
Molecular consequence: synonymous variant.
Genome position (GRCh38, 1-based): chr11:61,437,645, C>T. VCF-style: chr11-61437645-C-T. GRCh37 (hg19) VCF-style: chr11-61205117-C-T.
Identifiers: ClinVar variation 1749745 (VCV001749745.3), dbSNP rs2540124016, ClinGen allele CA474519806.